The following is an entry in ClinVar:

NM_001003722.2(GLE1):c.1297del (p.Ile433fs)

Gene: GLE1 (GLE1 RNA export mediator; plus strand). Cytogenetic location: 9q34.11.
Variant type: Deletion.
Coding change: c.1297del on transcript NM_001003722.2 (MANE Select); coding-DNA position 1297, one base deleted (A; older notation c.1297delA).
Protein change: p.Ile433fs; shifts the reading frame from isoleucine 433.
Molecular consequence: frameshift variant.
Genome position (GRCh38, 1-based): chr9:128,527,510, A deleted; the last of 3 consecutive A bases (chr9:128,527,508-128,527,510); deleting any one gives the same sequence. VCF-style (leftmost placement, unchanged base first): chr9-128527507-CA-C. GRCh37 (hg19) VCF-style: chr9-131289786-CA-C.
Other names: c.1297del, p.Ile433fs (NM_001499.2); short protein forms I433fs.
Identifiers: ClinVar variation 1076581 (VCV001076581.7), dbSNP rs2132474290, ClinGen allele CA2499219661.
Genomic context (GRCh38, chr9:128,527,507, plus strand): 5'-TTCTGGCAGGCCAAAAAGATAAAGATGGACCTCCAGAAGGCTGCTACCATCCCAGTGAGC[CA>C]AATCTCTACCATTGCAGGTTGGTCAGAGGGGTTGAGAACATGACCTTTCATTTCATTGTA-3'

ClinVar aggregate classification (germline): Pathogenic (1 of 4 stars; one submission).

Submission:

Labcorp Genetics (formerly Invitae), Labcorp
Classification: Pathogenic. Last evaluated: 2023-08-29. Review status: criteria provided, single submitter. Criteria: Invitae Variant Classification Sherloc (09022015). Collection method: clinical testing. Allele origin: germline.
Comment: This variant is not present in population databases (gnomAD no frequency). For these reasons, this variant has been classified as Pathogenic. ClinVar contains an entry for this variant (Variation ID: 1076581). This variant has not been reported in the literature in individuals affected with GLE1-related conditions. This sequence change creates a premature translational stop signal (p.Ile433Serfs*9) in the GLE1 gene. It is expected to result in an absent or disrupted protein product. Loss-of-function variants in GLE1 are known to be pathogenic (PMID: 18204449, 24243016, 27684565).

Literature cited by the submitters: PubMed 18204449; PubMed 24243016; PubMed 27684565.